The following is an entry in ClinVar:

NM_005506.4(SCARB2):c.465C>G (p.Ile155Met)

Gene: SCARB2 (scavenger receptor class B member 2; minus strand). Cytogenetic location: 4q21.1.
Variant type: single nucleotide variant.
Coding change: c.465C>G on transcript NM_005506.4 (MANE Select); coding-DNA position 465, C replaced by G.
Protein change: p.Ile155Met; replaces isoleucine 155 with methionine.
Molecular consequence: missense variant. On other transcripts: intron variant (1).
Genome position (GRCh38, 1-based): chr4:76,179,664, G>C on the plus strand (C>G on the coding strand, the complement: SCARB2 is on the minus strand). VCF-style: chr4-76179664-G-C. GRCh37 (hg19) VCF-style: chr4-77100817-G-C.
Other names: c.276-3754C>G (NM_001204255.2); short protein forms I155M.
Identifiers: ClinVar variation 1907316 (VCV001907316.5), dbSNP rs1732338019, ClinGen allele CA357326973.

ClinVar aggregate classification (germline): Uncertain significance (1 of 4 stars; one submission).

Conditions:
Progressive myoclonic epilepsy. Also called: Myoclonic Epilepsies, Progressive; Familial progressive myoclonic epilepsy; Myoclonus epilepsy; Progressive myoclonus epilepsy. Identifiers: Orphanet 308, Orphanet 98261, MedGen C0751778, MONDO:0020074.

Allele frequency attached by ClinVar (database versions not stated): gnomAD exomes below 0.00001; TOPMed 0.00001.
gnomAD v4.1: 2 of 1,614,120 alleles (0.00012%); highest among the groups gnomAD compares: East Asian, 0.0022%; no homozygotes.

Submission:

Labcorp Genetics (formerly Invitae), Labcorp
Classification: Uncertain significance for Progressive myoclonic epilepsy. Last evaluated: 2022-09-01. Review status: criteria provided, single submitter. Criteria: Invitae Variant Classification Sherloc (09022015). Collection method: clinical testing. Allele origin: germline.
Comment: This sequence change replaces isoleucine, which is neutral and non-polar, with methionine, which is neutral and non-polar, at codon 155 of the SCARB2 protein (p.Ile155Met). This variant is not present in population databases (gnomAD no frequency). This variant has not been reported in the literature in individuals affected with SCARB2-related conditions. Algorithms developed to predict the effect of missense changes on protein structure and function (SIFT, PolyPhen-2, Align-GVGD) all suggest that this variant is likely to be tolerated. In summary, the available evidence is currently insufficient to determine the role of this variant in disease. Therefore, it has been classified as a Variant of Uncertain Significance.